The following is an entry in ClinVar:

NM_003355.3(UCP2):c.815+3G>T

Gene: UCP2 (uncoupling protein 2; minus strand). Cytogenetic location: 11q13.4.
Variant type: single nucleotide variant.
Coding change: c.815+3G>T on transcript NM_003355.3 (MANE Select); 3 bases into the intron after coding-DNA position 815, G replaced by T.
Molecular consequence: intron variant.
Genome position (GRCh38, 1-based): chr11:73,975,488, C>A on the plus strand (G>T on the coding strand, the complement: UCP2 is on the minus strand). VCF-style: chr11-73975488-C-A. GRCh37 (hg19) VCF-style: chr11-73686533-C-A.
Other names: c.815+3G>T (NM_001381944.1, NM_001381948.1, NM_001381945.1 and 2 more transcripts); c.620+3G>T (NM_001381950.1); c.713+3G>T (NM_001381949.1).
Identifiers: ClinVar variation 2991356 (VCV002991356.3), dbSNP rs1253726591, ClinGen allele CA600119091.

ClinVar aggregate classification (germline): Uncertain significance (1 of 4 stars; one submission).

Allele frequency attached by ClinVar (database versions not stated): gnomAD exomes below 0.00001; TOPMed 0.00002.

Submission:

Labcorp Genetics (formerly Invitae), Labcorp
Classification: Uncertain significance. Last evaluated: 2023-08-07. Review status: criteria provided, single submitter. Criteria: Invitae Variant Classification Sherloc (09022015). Collection method: clinical testing. Allele origin: germline.
Comment: This sequence change falls in intron 7 of the UCP2 gene. It does not directly change the encoded amino acid sequence of the UCP2 protein. It affects a nucleotide within the consensus splice site. This variant is present in population databases (no rsID available, gnomAD 0.003%). This variant has not been reported in the literature in individuals affected with UCP2-related conditions. Variants that disrupt the consensus splice site are a relatively common cause of aberrant splicing (PMID: 17576681, 9536098). Algorithms developed to predict the effect of sequence changes on RNA splicing suggest that this variant may disrupt the consensus splice site. In summary, the available evidence is currently insufficient to determine the role of this variant in disease. Therefore, it has been classified as a Variant of Uncertain Significance.

Literature cited by the submitters: PubMed 17576681; PubMed 9536098.